The following is an entry in ClinVar:

ClinVar aggregate classification (germline): Benign (1 of 4 stars; one submission).

Allele frequency attached by ClinVar (database versions not stated): TOPMed 0.41516; gnomAD 0.41686; 1000 Genomes Project 30x 0.47330; 1000 Genomes Project 0.47644.
gnomAD v4.1: 63,249 of 151,924 alleles (42%); highest among the groups gnomAD compares: African/African-American, 55%; 13,952 homozygotes.

Submission:

GeneDx
Classification: Benign. Last evaluated: 2018-06-19. Review status: criteria provided, single submitter. Criteria: GeneDx Variant Classification (06012015). Collection method: clinical testing. Allele origin: germline. Affected: yes.
Comment: This variant is considered likely benign or benign based on one or more of the following criteria: it is a conservative change, it occurs at a poorly conserved position in the protein, it is predicted to be benign by multiple in silico algorithms, and/or has population frequency not consistent with disease.

NM_015141.4(GPD1L):c.506-171G>T

Gene: GPD1L (glycerol-3-phosphate dehydrogenase 1 like; plus strand). Cytogenetic location: 3p22.3.
Variant type: single nucleotide variant.
Coding change: c.506-171G>T on transcript NM_015141.4 (MANE Select); 171 bases into the intron before coding-DNA position 506, G replaced by T.
Molecular consequence: intron variant.
Genome position (GRCh38, 1-based): chr3:32,146,451, G>T. VCF-style: chr3-32146451-G-T. GRCh37 (hg19) VCF-style: chr3-32187943-G-T.
Identifiers: ClinVar variation 671832 (VCV000671832.1), dbSNP rs9839669, ClinGen allele CA11402080.